The following is an entry in ClinVar:

ClinVar aggregate classification (germline): Uncertain significance. Review status: criteria provided, multiple submitters, no conflicts (2 of 4 stars). 2 submissions from 2 submitters: Uncertain significance (2). Last evaluated 2025-11-05.

Conditions:
Atrioventricular septal defect 5 (AVSD5). Identifiers: MedGen C3280939, MONDO:0013769, OMIM 614474.

Allele frequency attached by ClinVar (database versions not stated): gnomAD exomes 0.00001; gnomAD 0.00002; ExAC 0.00003; TOPMed 0.00003.
gnomAD v4.1: 15 of 1,599,426 alleles (0.00094%); highest among the groups gnomAD compares: Admixed American, 0.018%; no homozygotes.

Submissions (2):

Labcorp Genetics (formerly Invitae), Labcorp
Classification: Uncertain significance for Atrioventricular septal defect 5. Last evaluated: 2025-11-05. Review status: criteria provided, single submitter. Criteria: Invitae Variant Classification Sherloc (09022015). Collection method: clinical testing. Allele origin: germline.
Comment: This sequence change replaces alanine, which is neutral and non-polar, with glutamic acid, which is acidic and polar, at codon 19 of the GATA6 protein (p.Ala19Glu). This variant is present in population databases (rs758867858, gnomAD 0.03%). This variant has not been reported in the literature in individuals affected with GATA6-related conditions. ClinVar contains an entry for this variant (Variation ID: 2060220). An algorithm developed to predict the effect of missense changes on protein structure and function (PolyPhen-2) suggests that this variant is likely to be tolerated. In summary, the available evidence is currently insufficient to determine the role of this variant in disease. Therefore, it has been classified as a Variant of Uncertain Significance.

GeneDx
Classification: Uncertain significance. Last evaluated: 2022-09-16. Review status: criteria provided, single submitter. Criteria: GeneDx Variant Classification Process June 2021. Collection method: clinical testing. Allele origin: germline. Affected: yes.
Comment: In silico analysis supports that this missense variant does not alter protein structure/function; Has not been previously published as pathogenic or benign to our knowledge

NM_005257.6(GATA6):c.56C>A (p.Ala19Glu)

Gene: GATA6 (GATA binding protein 6; plus strand). Cytogenetic location: 18q11.2.
Variant type: single nucleotide variant.
Coding change: c.56C>A on transcript NM_005257.6 (MANE Select); coding-DNA position 56, C replaced by A.
Protein change: p.Ala19Glu; replaces alanine 19 with glutamic acid.
Molecular consequence: missense variant.
Genome position (GRCh38, 1-based): chr18:22,171,200, C>A. VCF-style: chr18-22171200-C-A. GRCh37 (hg19) VCF-style: chr18-19751161-C-A.
Other names: c.56C>A (NM_005257.4); short protein forms A19E.
Identifiers: ClinVar variation 2060220 (VCV002060220.5), dbSNP rs758867858, ClinGen allele CA8908798.